The following is an entry in ClinVar:

ClinVar aggregate classification (germline): Likely benign (1 of 4 stars; one submission).

Allele frequency attached by ClinVar (database versions not stated): gnomAD exomes below 0.00001.
gnomAD v4.1: 2 of 1,614,002 alleles (0.00012%); highest among the groups gnomAD compares: South Asian, 0.0011%; no homozygotes.

Submission:

GeneDx
Classification: Likely benign. Last evaluated: 2017-02-28. Review status: criteria provided, single submitter. Criteria: GeneDx Variant Classification (06012015). Collection method: clinical testing. Allele origin: germline. Affected: yes.
Comment: This variant is considered likely benign or benign based on one or more of the following criteria: it is a conservative change, it occurs at a poorly conserved position in the protein, it is predicted to be benign by multiple in silico algorithms, and/or has population frequency not consistent with disease.

NM_001267550.2(TTN):c.102603A>G (p.Lys34201=)

Genes: TTN (titin; minus strand), TTN-AS1 (TTN antisense RNA 1; plus strand). Cytogenetic location: 2q31.2.
Variant type: single nucleotide variant.
Coding change: c.102603A>G on transcript NM_001267550.2 (MANE Select); coding-DNA position 102603, A replaced by G.
Protein change: p.Lys34201=; no amino-acid change (lysine 34201 retained).
Molecular consequence: synonymous variant.
Genome position (GRCh38, 1-based): chr2:178,534,012, T>C on the plus strand (A>G on the coding strand, the complement: TTN is on the minus strand). VCF-style: chr2-178534012-T-C. GRCh37 (hg19) VCF-style: chr2-179398739-T-C.
Other names: c.97680A>G, p.Lys32560= (NM_001256850.1); c.75408A>G, p.Lys25136= (NM_003319.4); c.94899A>G, p.Lys31633= (NM_133378.4); c.75783A>G, p.Lys25261= (NM_133432.3); c.75984A>G, p.Lys25328= (NM_133437.4).
Identifiers: ClinVar variation 507698 (VCV000507698.1), dbSNP rs1414951574, ClinGen allele CA430237305.